The following is an entry in ClinVar:

NM_000217.3(KCNA1):c.43G>T (p.Ala15Ser)

Genes: KCNA1 (potassium voltage-gated channel subfamily A member 1; plus strand), LOC130007218 (ATAC-STARR-seq lymphoblastoid silent region 4155; plus strand). Cytogenetic location: 12p13.32.
Variant type: single nucleotide variant.
Coding change: c.43G>T on transcript NM_000217.3 (MANE Select); coding-DNA position 43, G replaced by T.
Protein change: p.Ala15Ser; replaces alanine 15 with serine.
Molecular consequence: missense variant.
Genome position (GRCh38, 1-based): chr12:4,911,421, G>T. VCF-style: chr12-4911421-G-T. GRCh37 (hg19) VCF-style: chr12-5020587-G-T.
Other names: short protein forms A15S.
Identifiers: ClinVar variation 961458 (VCV000961458.14), dbSNP rs777276806, ClinGen allele CA6399333.

ClinVar aggregate classification (germline): Uncertain significance. Review status: criteria provided, multiple submitters, no conflicts (2 of 4 stars). 6 submissions from 6 submitters: Uncertain significance (6). Last evaluated 2026-02-02.

Conditions:
Inborn genetic diseases. Identifiers: MedGen C0950123, MeSH D030342.
KCNA1-related disorder. Also called: KCNA1-related condition; KCNA1-related disorders.
Episodic ataxia type 1 (EA1). Also called: MYOKYMIA WITH PERIODIC ATAXIA; Episodic ataxia/myokymia syndrome; PAROXYSMAL ATAXIA WITH NEUROMYOTONIA, HEREDITARY; ATAXIA, EPISODIC, WITH MYOKYMIA. Identifiers: Orphanet 37612, Orphanet 972, MedGen C1719788, MONDO:0008047, OMIM 160120.

Allele frequency attached by ClinVar (database versions not stated): gnomAD 0.00002 and 0.00003; TOPMed 0.00002; gnomAD exomes 0.00003; ExAC 0.00004.

Submissions (6):

Labcorp Genetics (formerly Invitae), Labcorp
Classification: Uncertain significance for Episodic ataxia type 1. Last evaluated: 2026-02-02. Review status: criteria provided, single submitter. Criteria: Invitae Variant Classification Sherloc (09022015). Collection method: clinical testing. Allele origin: germline.
Comment: This sequence change replaces alanine, which is neutral and non-polar, with serine, which is neutral and polar, at codon 15 of the KCNA1 protein (p.Ala15Ser). This variant is present in population databases (rs777276806, gnomAD 0.01%). This variant has not been reported in the literature in individuals affected with KCNA1-related conditions. ClinVar contains an entry for this variant (Variation ID: 961458). Invitae Evidence Modeling of protein sequence and biophysical properties (such as structural, functional, and spatial information, amino acid conservation, physicochemical variation, residue mobility, and thermodynamic stability) indicates that this missense variant is not expected to disrupt KCNA1 protein function with a negative predictive value of 95%. In summary, the available evidence is currently insufficient to determine the role of this variant in disease. Therefore, it has been classified as a Variant of Uncertain Significance.

Ambry Genetics
Classification: Uncertain significance for Inborn genetic diseases. Last evaluated: 2025-06-07. Review status: criteria provided, single submitter. Criteria: Ambry Variant Classification Scheme 2023. Collection method: clinical testing. Allele origin: germline.

PreventionGenetics, part of Exact Sciences
Classification: Uncertain significance for KCNA1-related condition. Last evaluated: 2025-01-03. Review status: criteria provided, single submitter. Criteria: ACMG Guidelines, 2015. Collection method: clinical testing. Allele origin: germline.
Comment: The KCNA1 c.43G>T variant is predicted to result in the amino acid substitution p.Ala15Ser. To our knowledge, this variant has not been reported in the literature. This variant is reported in 0.012% of alleles in individuals of Latino descent in gnomAD. Although we suspect that this variant may be benign, at this time, the clinical significance of this variant is uncertain due to the absence of conclusive functional and genetic evidence.

ARUP Laboratories, Molecular Genetics and Genomics, ARUP Laboratories
Classification: Uncertain significance for Episodic ataxia type 1. Last evaluated: 2024-09-16. Review status: criteria provided, single submitter. Criteria: ARUP Molecular Germline Variant Investigation Process 2024. Collection method: clinical testing. Allele origin: germline.

Fulgent Genetics
Classification: Uncertain significance for Episodic ataxia type 1. Last evaluated: 2024-05-09. Review status: criteria provided, single submitter. Criteria: ACMG Guidelines, 2015. Collection method: clinical testing. Allele origin: germline.

Blueprint Genetics
Classification: Uncertain significance. Last evaluated: 2022-11-22. Review status: criteria provided, single submitter. Criteria: ACMG Guidelines, 2015. Collection method: clinical testing. Allele origin: germline.